The following is an entry in ClinVar:

NM_025103.4(IFT74):c.650A>G (p.Asp217Gly)

Gene: IFT74 (intraflagellar transport 74; plus strand). Cytogenetic location: 9p21.2.
Variant type: single nucleotide variant.
Coding change: c.650A>G on transcript NM_025103.4 (MANE Select); coding-DNA position 650, A replaced by G.
Protein change: p.Asp217Gly; replaces aspartic acid 217 with glycine.
Molecular consequence: missense variant.
Genome position (GRCh38, 1-based): chr9:27,009,082, A>G. VCF-style: chr9-27009082-A-G. GRCh37 (hg19) VCF-style: chr9-27009080-A-G.
Other names: c.650A>G, p.Asp217Gly (NM_001099222.3, NM_001099223.3, NM_001099224.3 and 1 more transcripts); short protein forms D217G.
Identifiers: ClinVar variation 4998237 (VCV004998237.1).

ClinVar aggregate classification (germline): Uncertain significance (1 of 4 stars; one submission).

Conditions:
IFT74-related disorder. Also called: IFT74-related condition; IFT74-Related Disorders.

Submission:

PreventionGenetics, part of Exact Sciences
Classification: Uncertain significance for IFT74-related condition. Last evaluated: 2025-06-06. Review status: criteria provided, single submitter. Criteria: ACMG Guidelines, 2015. Collection method: clinical testing. Allele origin: germline.
Comment: The IFT74 c.650A>G variant is predicted to result in the amino acid substitution p.Asp217Gly. To our knowledge, this variant has not been reported in the literature or in a large population database (gnomAD), indicating this variant is rare. At this time, the clinical significance of this variant is uncertain due to the absence of conclusive functional and genetic evidence.